The following is an entry in ClinVar:

NM_001903.5(CTNNA1):c.1356G>A (p.Met452Ile)

Gene: CTNNA1 (catenin alpha 1; plus strand). Cytogenetic location: 5q31.2.
Variant type: single nucleotide variant.
Coding change: c.1356G>A on transcript NM_001903.5 (MANE Select); coding-DNA position 1356, G replaced by A.
Protein change: p.Met452Ile; replaces methionine 452 with isoleucine.
Molecular consequence: missense variant. On other transcripts: 5 prime UTR variant (4), initiator codon variant (2), intron variant (3).
Genome position (GRCh38, 1-based): chr5:138,904,408, G>A. VCF-style: chr5-138904408-G-A. GRCh37 (hg19) VCF-style: chr5-138240097-G-A.
Other names: c.246G>A, p.Met82Ile (NM_001323991.1, NM_001323992.1, NM_001323993.1 and 17 more transcripts); c.1356G>A, p.Met452Ile (NM_001290307.3, NM_001323982.2, NM_001323983.1 and 2 more transcripts); c.1047G>A, p.Met349Ile (NM_001290309.3); c.987G>A, p.Met329Ile (NM_001290310.3); c.-152G>A (NM_001324006.1, NM_001324007.1, NM_001324008.1 and 1 more transcripts); c.3G>A, p.Met1Ile (NM_001324012.1, NM_001324013.1); c.1297-13334G>A (NM_001323986.2); c.187-13334G>A (NM_001324011.1); and 1 more; short protein forms M82I, M1I, M329I, M349I, M452I.
Identifiers: ClinVar variation 658356 (VCV000658356.17), dbSNP rs776209866, ClinGen allele CA3431926.

ClinVar aggregate classification (germline): Uncertain significance. Review status: criteria provided, multiple submitters, no conflicts (2 of 4 stars). 4 submissions from 4 submitters: Uncertain significance (4). Last evaluated 2026-01-01.

Conditions:
Hereditary cancer-predisposing syndrome. Also called: Neoplastic Syndromes, Hereditary; Hereditary Cancer Syndrome; Tumor predisposition; Hereditary neoplastic syndrome. Identifiers: Orphanet 140162, MedGen C0027672, MeSH D009386, MONDO:0015356.

Allele frequency attached by ClinVar (database versions not stated): ExAC 0.00003; gnomAD exomes 0.00003 and 0.00006.
gnomAD v4.1: 43 of 1,613,984 alleles (0.0027%); highest among the groups gnomAD compares: Non-Finnish European, 0.00068%; no homozygotes.

Submissions (4):

CeGaT Center for Human Genetics Tuebingen
Classification: Uncertain significance. Last evaluated: 2026-01-01. Review status: criteria provided, single submitter. Criteria: CeGaT Center For Human Genetics Tuebingen Variant Classification Criteria Version 2. Collection method: clinical testing. Allele origin: germline. Affected: yes. Observed: 1 variant allele.

Labcorp Genetics (formerly Invitae), Labcorp
Classification: Uncertain significance. Last evaluated: 2025-10-27. Review status: criteria provided, single submitter. Criteria: Invitae Variant Classification Sherloc (09022015). Collection method: clinical testing. Allele origin: germline.
Comment: This sequence change replaces methionine, which is neutral and non-polar, with isoleucine, which is neutral and non-polar, at codon 452 of the CTNNA1 protein (p.Met452Ile). This variant is present in population databases (rs776209866, gnomAD 0.06%), and has an allele count higher than expected for a pathogenic variant. This variant has not been reported in the literature in individuals affected with CTNNA1-related conditions. ClinVar contains an entry for this variant (Variation ID: 658356). An algorithm developed to predict the effect of missense changes on protein structure and function (PolyPhen-2) suggests that this variant is likely to be tolerated. In summary, the available evidence is currently insufficient to determine the role of this variant in disease. Therefore, it has been classified as a Variant of Uncertain Significance.

Ambry Genetics
Classification: Uncertain significance for Hereditary cancer-predisposing syndrome. Last evaluated: 2024-05-21. Review status: criteria provided, single submitter. Criteria: Ambry Variant Classification Scheme 2023. Collection method: clinical testing. Allele origin: germline.
Comment: The p.M452I variant (also known as c.1356G>A), located in coding exon 9 of the CTNNA1 gene, results from a G to A substitution at nucleotide position 1356. The methionine at codon 452 is replaced by isoleucine, an amino acid with highly similar properties. This amino acid position is highly conserved in available vertebrate species. In addition, the in silico prediction for this alteration is inconclusive. The evidence for this gene-disease relationship is limited; therefore, the clinical significance of this alteration is unclear.

GeneDx
Classification: Uncertain significance. Last evaluated: 2024-02-25. Review status: criteria provided, single submitter. Criteria: GeneDx Variant Classification Process June 2021. Collection method: clinical testing. Allele origin: germline. Affected: yes.
Comment: In silico analysis supports that this missense variant does not alter protein structure/function; Has not been previously published as pathogenic or benign to our knowledge